The following is an entry in ClinVar:

NM_000536.4(RAG2):c.48G>T (p.Gln16His)

Gene: RAG2 (recombination activating 2; minus strand). Cytogenetic location: 11p12.
Variant type: single nucleotide variant.
Coding change: c.48G>T on transcript NM_000536.4 (MANE Select); coding-DNA position 48, G replaced by T.
Protein change: p.Gln16His; replaces glutamine 16 with histidine.
Molecular consequence: missense variant.
Genome position (GRCh38, 1-based): chr11:36,594,121, C>A on the plus strand (G>T on the coding strand, the complement: RAG2 is on the minus strand). VCF-style: chr11-36594121-C-A. GRCh37 (hg19) VCF-style: chr11-36615671-C-A.
Other names: NM_000536.4(RAG2):c.48G>T; p.Gln16His; c.48G>T, p.Gln16His (NM_001243785.2, NM_001243786.2); short protein forms Q16H.
Identifiers: ClinVar variation 2301303 (VCV002301303.2), dbSNP rs1234922828, ClinGen allele CA380145022.
Genomic context (GRCh38, chr11:36,594,121, plus strand): 5'-CCAGCCTTTTTGTCCAAAGAAGAAAACTTGTCCATCAAAATTCATCAGTGAGAAGCCTGG[C>A]TGAATTAAGGCTATGTTATTACTGACTGTTACCATCTGCAGAGACATAGTTTCTGATGGT-3'
Protein context (NP_000527.2, residues 6-26): VTVSNNIALI[Gln16His]PGFSLMNFDG

ClinVar aggregate classification (germline): Uncertain significance. Review status: reviewed by expert panel (3 of 4 stars). 2 submissions from 2 submitters: Uncertain significance (1). 1 of the submissions does not count toward it. Last evaluated 2024-05-01.

Conditions:
Inborn genetic diseases. Identifiers: MedGen C0950123, MeSH D030342.
Recombinase activating gene 2 deficiency. Also called: RAG2 deficiency. Identifiers: MedGen CN257931, MONDO:0000573.

Allele frequency attached by ClinVar (database versions not stated): TOPMed 0.00001.

Submissions (2):

ClinGen Severe Combined Immunodeficiency Variant Curation Expert Panel, ClinGen
Classification: Uncertain significance for Recombinase activating gene 2 deficiency. Last evaluated: 2024-05-01. Review status: reviewed by expert panel. Criteria: ClinGen SCID ACMG Specifications RAG2 V1.0.0. Collection method: curation. Allele origin: germline. Inheritance: Autosomal recessive inheritance.
Comment: NM_000536.4(RAG2):c.48G>T is a missense variant predicted to cause substitution of Glutamine by Histidine at amino acid 16 (p.Gln16His).This missense variant is located in the core domain (amino acids 1-383) (PM1_supporting). The variant is absent in gnomAD v4 (PM2_supporting). To our knowledge, this variant has not been reported in the literature in individuals affected with RAG2 related conditions or in functional studies. In summary, this variant meets the criteria to be classified as a variant of uncertain significance for autosomal recessive severe combined immunodeficiency due to RAG2 deficiency based on the ACMG/AMP criteria applied, as specified by the ClinGen SCID VCEP: PM1_supporting, PM2_supporting (VCEP specifications version 1).

Ambry Genetics
Classification: Uncertain significance for Inborn genetic diseases. Last evaluated: 2022-07-13. Review status: criteria provided, single submitter. Criteria: Ambry Variant Classification Scheme 2023. Collection method: clinical testing. Allele origin: germline. Not counted in ClinVar's aggregate classification.